The following is an entry in ClinVar:

ClinVar aggregate classification (germline): Uncertain significance. Review status: criteria provided, multiple submitters, no conflicts (2 of 4 stars). 3 submissions from 3 submitters: Uncertain significance (2). 1 of the submissions does not count toward it. Last evaluated 2025-12-01.

Conditions:
Ataxia-telangiectasia syndrome (AT). Also called: LOUIS-BAR SYNDROME; Ataxia-telangiectasia, complementation group E; Ataxia-telangiectasia, complementation group D; AT, COMPLEMENTATION GROUP C; Ataxia telangiectasia (A-T); Cerebello-oculocutaneous telangiectasia. Identifiers: Orphanet 100, MedGen C0004135, MONDO:0008840, OMIM 208900.
Hereditary cancer-predisposing syndrome. Also called: Neoplastic Syndromes, Hereditary; Hereditary Cancer Syndrome; Hereditary neoplastic syndrome; Tumor predisposition. Identifiers: Orphanet 140162, MedGen C0027672, MeSH D009386, MONDO:0015356.

gnomAD v4.1: 1 of 1,607,292 alleles (0.000062%); no homozygotes.

Submissions (3):

Ambry Genetics
Classification: Uncertain significance for Hereditary cancer-predisposing syndrome. Last evaluated: 2025-12-01. Review status: criteria provided, single submitter. Criteria: Ambry Variant Classification Scheme 2023. Collection method: clinical testing. Allele origin: germline.
Comment: The c.4776+4A>G intronic variant results from an A to G substitution 4 nucleotides after coding exon 30 in the ATM gene. This nucleotide position is well conserved in available vertebrate species. In silico splice site analysis for this alteration is inconclusive; however, direct evidence is insufficient at this time (Ambry internal data). Based on the available evidence, the clinical significance of this variant remains unclear.

Labcorp Genetics (formerly Invitae), Labcorp
Classification: Uncertain significance for Ataxia-telangiectasia syndrome. Last evaluated: 2023-02-24. Review status: criteria provided, single submitter. Criteria: Invitae Variant Classification Sherloc (09022015). Collection method: clinical testing. Allele origin: germline.
Comment: This variant has not been reported in the literature in individuals affected with ATM-related conditions. This variant is not present in population databases (gnomAD no frequency). ClinVar contains an entry for this variant (Variation ID: 643271). This sequence change falls in intron 31 of the ATM gene. It does not directly change the encoded amino acid sequence of the ATM protein. RNA analysis indicates that this variant induces altered splicing and likely results in a shortened protein product. In summary, the available evidence is currently insufficient to determine the role of this variant in disease. Therefore, it has been classified as a Variant of Uncertain Significance. Variants that disrupt the consensus splice site are a relatively common cause of aberrant splicing (PMID: 17576681, 9536098). Studies have shown that this variant results in skipping of exon 31, but is expected to preserve the integrity of the reading-frame (Invitae).

Natera, Inc.
Classification: Uncertain significance for Ataxia-telangiectasia. Last evaluated: 2025-03-24. Review status: no assertion criteria provided. Collection method: clinical testing. Allele origin: germline. Not counted in ClinVar's aggregate classification.

Literature cited by the submitters: PubMed 17576681 (cited by Labcorp Genetics (formerly Invitae), Labcorp); PubMed 9536098 (cited by Labcorp Genetics (formerly Invitae), Labcorp).

NM_000051.4(ATM):c.4776+4A>G

Gene: ATM (ATM serine/threonine kinase; plus strand). Cytogenetic location: 11q22.3.
Variant type: single nucleotide variant.
Coding change: c.4776+4A>G on transcript NM_000051.4 (MANE Select); 4 bases into the intron after coding-DNA position 4776, A replaced by G.
Molecular consequence: intron variant.
Genome position (GRCh38, 1-based): chr11:108,293,481, A>G. VCF-style: chr11-108293481-A-G. GRCh37 (hg19) VCF-style: chr11-108164208-A-G.
Other names: c.4776+4A>G (NM_001351834.2).
Identifiers: ClinVar variation 643271 (VCV000643271.11), dbSNP rs1591677924, ClinGen allele CA915944427.